The following is an entry in ClinVar:

NM_006939.4(SOS2):c.1861T>A (p.Phe621Ile)

Gene: SOS2 (SOS Ras/Rho guanine nucleotide exchange factor 2; minus strand). Cytogenetic location: 14q21.3.
Variant type: single nucleotide variant.
Coding change: c.1861T>A on transcript NM_006939.4 (MANE Select); coding-DNA position 1861, T replaced by A.
Protein change: p.Phe621Ile; replaces phenylalanine 621 with isoleucine.
Molecular consequence: missense variant.
Genome position (GRCh38, 1-based): chr14:50,158,638, A>T on the plus strand (T>A on the coding strand, the complement: SOS2 is on the minus strand). VCF-style: chr14-50158638-A-T. GRCh37 (hg19) VCF-style: chr14-50625356-A-T.
Other names: c.1762T>A, p.Phe588Ile (NM_001411020.1); short protein forms F588I, F621I.
Identifiers: ClinVar variation 3636090 (VCV003636090.2).

ClinVar aggregate classification (germline): Uncertain significance (1 of 4 stars; one submission).

Conditions:
Noonan syndrome 9 (NS9). Identifiers: Orphanet 648, MedGen C4225282, MONDO:0014691, OMIM 616559.

Submission:

Labcorp Genetics (formerly Invitae), Labcorp
Classification: Uncertain significance for Noonan syndrome 9. Last evaluated: 2024-02-06. Review status: criteria provided, single submitter. Criteria: Invitae Variant Classification Sherloc (09022015). Collection method: clinical testing. Allele origin: germline.
Comment: This sequence change replaces phenylalanine, which is neutral and non-polar, with isoleucine, which is neutral and non-polar, at codon 621 of the SOS2 protein (p.Phe621Ile). This variant is not present in population databases (gnomAD no frequency). This variant has not been reported in the literature in individuals affected with SOS2-related conditions. Advanced modeling of protein sequence and biophysical properties (such as structural, functional, and spatial information, amino acid conservation, physicochemical variation, residue mobility, and thermodynamic stability) performed at Invitae indicates that this missense variant is expected to disrupt SOS2 protein function with a positive predictive value of 95%. In summary, the available evidence is currently insufficient to determine the role of this variant in disease. Therefore, it has been classified as a Variant of Uncertain Significance.